The following is an entry in ClinVar:

NM_002180.3(IGHMBP2):c.204G>T (p.Glu68Asp)

Gene: IGHMBP2 (immunoglobulin mu DNA binding protein 2; plus strand). Cytogenetic location: 11q13.3.
Variant type: single nucleotide variant.
Coding change: c.204G>T on transcript NM_002180.3 (MANE Select); coding-DNA position 204, G replaced by T.
Protein change: p.Glu68Asp; replaces glutamic acid 68 with aspartic acid.
Molecular consequence: missense variant.
Genome position (GRCh38, 1-based): chr11:68,906,186, G>T. VCF-style: chr11-68906186-G-T. GRCh37 (hg19) VCF-style: chr11-68673654-G-T.
Other names: short protein forms E68D.
Identifiers: ClinVar variation 577929 (VCV000577929.6), dbSNP rs1470672532, ClinGen allele CA381642492.

ClinVar aggregate classification (germline): Uncertain significance (1 of 4 stars; one submission).

Conditions:
Charcot-Marie-Tooth disease axonal type 2S. Also called: CHARCOT-MARIE-TOOTH NEUROPATHY, TYPE 2S; CHARCOT-MARIE-TOOTH DISEASE, AXONAL, AUTOSOMAL RECESSIVE, TYPE 2S. Identifiers: Orphanet 443073, MedGen C4015349, MONDO:0014511, OMIM 616155.
Autosomal recessive distal spinal muscular atrophy 1. Also called: SEVERE INFANTILE AXONAL NEUROPATHY WITH RESPIRATORY FAILURE; SPINAL MUSCULAR ATROPHY, DIAPHRAGMATIC; Spinal muscular atrophy with respiratory distress 1; HMN VI; NEURONOPATHY, SEVERE INFANTILE AXONAL, WITH RESPIRATORY FAILURE; NEURONOPATHY, DISTAL HEREDITARY MOTOR, HARDING TYPE VI. Identifiers: Orphanet 98920, MedGen C1858517, MONDO:0011436, OMIM 604320.

Allele frequency attached by ClinVar (database versions not stated): TOPMed 0.00002; gnomAD 0.00003.
gnomAD v4.1: 7 of 1,614,072 alleles (0.00043%); highest among the groups gnomAD compares: African/African-American, 0.0013%; no homozygotes.

Submission:

Labcorp Genetics (formerly Invitae), Labcorp
Classification: Uncertain significance for Autosomal recessive distal spinal muscular atrophy 1; Charcot-Marie-Tooth disease axonal type 2S. Last evaluated: 2021-09-01. Review status: criteria provided, single submitter. Criteria: Invitae Variant Classification Sherloc (09022015). Collection method: clinical testing. Allele origin: germline.
Comment: This sequence change replaces glutamic acid with aspartic acid at codon 68 of the IGHMBP2 protein (p.Glu68Asp). The glutamic acid residue is moderately conserved and there is a small physicochemical difference between glutamic acid and aspartic acid. This variant is not present in population databases (ExAC no frequency). This variant has not been reported in the literature in individuals affected with IGHMBP2-related conditions. Algorithms developed to predict the effect of missense changes on protein structure and function (SIFT, PolyPhen-2, Align-GVGD) all suggest that this variant is likely to be tolerated. In summary, the available evidence is currently insufficient to determine the role of this variant in disease. Therefore, it has been classified as a Variant of Uncertain Significance.